The following is an entry in ClinVar:

ClinVar aggregate classification (germline): Likely benign. Review status: criteria provided, single submitter (1 of 4 stars). 2 submissions from 2 submitters: Likely benign (1). 1 of the submissions does not count toward it. Last evaluated 2023-05-01.

Conditions:
OTUD4-related disorder. Also called: OTUD4-related condition.

Allele frequency attached by ClinVar (database versions not stated): 1000 Genomes Project 30x 0.00187; 1000 Genomes Project 0.00200; TOPMed 0.00512; gnomAD 0.00543; ExAC 0.00545; gnomAD exomes 0.00664; ESP Exome Variant Server 0.00723.
gnomAD v4.1: 10,254 of 1,565,504 alleles (0.65%); highest among the groups gnomAD compares: Middle Eastern, 0.88%; 52 homozygotes.

Submissions (2):

CeGaT Center for Human Genetics Tuebingen
Classification: Likely benign. Last evaluated: 2023-05-01. Review status: criteria provided, single submitter. Criteria: CeGaT Center For Human Genetics Tuebingen Variant Classification Criteria Version 2. Collection method: clinical testing. Allele origin: germline. Affected: yes. Observed: 1 variant allele.
Comment: OTUD4: BP4, BP7, BS2

PreventionGenetics, part of Exact Sciences
Classification: Benign for OTUD4-related condition. Last evaluated: 2019-07-08. Review status: no assertion criteria provided. Collection method: clinical testing. Allele origin: germline. Not counted in ClinVar's aggregate classification.
Comment: This variant is classified as benign based on ACMG/AMP sequence variant interpretation guidelines (Richards et al. 2015 PMID: 25741868, with internal and published modifications).

NM_001366057.1(OTUD4):c.456G>A (p.Val152=)

Gene: OTUD4 (OTU deubiquitinase 4; minus strand). Cytogenetic location: 4q31.21.
Variant type: single nucleotide variant.
Coding change: c.456G>A on transcript NM_001366057.1 (MANE Select); coding-DNA position 456, G replaced by A.
Protein change: p.Val152=; no amino-acid change (valine 152 retained).
Molecular consequence: synonymous variant.
Genome position (GRCh38, 1-based): chr4:145,162,680, C>T on the plus strand (G>A on the coding strand, the complement: OTUD4 is on the minus strand). VCF-style: chr4-145162680-C-T. GRCh37 (hg19) VCF-style: chr4-146083832-C-T.
Other names: c.261G>A, p.Val87= (NM_001102653.1, NM_017493.7); c.456G>A, p.Val152= (NM_001366058.1).
Identifiers: ClinVar variation 2655111 (VCV002655111.25), dbSNP rs146306989, ClinGen allele CA3094695.
Genomic context (GRCh38, chr4:145,162,680, plus strand): 5'-AAACACAAGGTGATACTTACACTGACACATAGCAGAGCTTTCTTTATACTTTATGGGATA[C>T]ACAATATCATAATGATTTCCATTTGAAAAACACAGTAACACCTGAAAGGGAAAAATAAAA-3'
Protein context (NP_001352986.1, residues 142-162): CFSNGNHYDI[Val152=]YPIKYKESSA